The following is an entry in ClinVar:

ClinVar aggregate classification (germline): Benign/Likely benign. Review status: criteria provided, multiple submitters, no conflicts (2 of 4 stars). 6 submissions from 5 submitters: Benign (3); Likely benign (3). Last evaluated 2026-01-17.

Conditions:
Fibromuscular dysplasia, multifocal. Identifiers: MedGen C5543412, MONDO:0859151, OMIM 619329.
Ehlers-Danlos syndrome, classic type, 1 (EDSCL1). Also called: EHLERS-DANLOS SYNDROME, GRAVIS TYPE; EHLERS-DANLOS SYNDROME, SEVERE CLASSIC TYPE; Ehlers-Danlos syndrome, type 1; Ehlers-Danlos Syndrome, Classic Type, COL5A1-Related; EDS I. Identifiers: MedGen C0268335, MONDO:0019567, OMIM 130000.

Allele frequency attached by ClinVar (database versions not stated): gnomAD 0.00006; gnomAD exomes 0.00006 and 0.00007; TOPMed 0.00006; ESP Exome Variant Server 0.00009; ExAC 0.00028.
gnomAD v4.1: 87 of 1,550,306 alleles (0.0056%); highest among the groups gnomAD compares: Middle Eastern, 0.033%; 1 homozygote.

Submissions (6):

Labcorp Genetics (formerly Invitae), Labcorp
Classification: Likely benign for Ehlers-Danlos syndrome, classic type, 1. Last evaluated: 2026-01-17. Review status: criteria provided, single submitter. Criteria: Invitae Variant Classification Sherloc (09022015). Collection method: clinical testing. Allele origin: germline.

Blueprint Genetics
Classification: Likely benign. Last evaluated: 2024-11-27. Review status: criteria provided, single submitter. Criteria: ACMG Guidelines, 2015. Collection method: clinical testing. Allele origin: germline.

Genome-Nilou Lab
Classification: Benign for Ehlers-Danlos syndrome, classic type, 1. Last evaluated: 2022-03-15. Review status: criteria provided, single submitter. Criteria: ACMG Guidelines, 2015. Collection method: clinical testing. Allele origin: germline. Affected: no.

Genome-Nilou Lab
Classification: Benign for Fibromuscular dysplasia, multifocal. Last evaluated: 2022-03-15. Review status: criteria provided, single submitter. Criteria: ACMG Guidelines, 2015. Collection method: clinical testing. Allele origin: germline. Affected: no.

Fulgent Genetics
Classification: Likely benign for Ehlers-Danlos syndrome, classic type, 1; Fibromuscular dysplasia, multifocal. Last evaluated: 2021-12-20. Review status: criteria provided, single submitter. Criteria: ACMG Guidelines, 2015. Collection method: clinical testing. Allele origin: unknown.

GeneDx
Classification: Benign. Last evaluated: 2014-10-23. Review status: criteria provided, single submitter. Criteria: GeneDx Variant Classification (06012015). Collection method: clinical testing. Allele origin: germline. Affected: yes.
Comment: This variant is considered likely benign or benign based on one or more of the following criteria: it is a conservative change, it occurs at a poorly conserved position in the protein, it is predicted to be benign by multiple in silico algorithms, and/or has population frequency not consistent with disease.

NM_000093.5(COL5A1):c.3906+14C>T

Gene: COL5A1 (collagen type V alpha 1 chain; plus strand). Cytogenetic location: 9q34.3.
Variant type: single nucleotide variant.
Coding change: c.3906+14C>T on transcript NM_000093.5 (MANE Select); 14 bases into the intron after coding-DNA position 3906, C replaced by T.
Molecular consequence: intron variant.
Genome position (GRCh38, 1-based): chr9:134,814,050, C>T. VCF-style: chr9-134814050-C-T. GRCh37 (hg19) VCF-style: chr9-137705896-C-T.
Other names: c.3906+14C>T (NM_001278074.1).
Identifiers: ClinVar variation 212903 (VCV000212903.12), dbSNP rs377136680, ClinGen allele CA323069.